The following is an entry in ClinVar:

NM_000548.5(TSC2):c.1905T>G (p.Asp635Glu)

Gene: TSC2 (TSC complex subunit 2; plus strand). Cytogenetic location: 16p13.3.
Variant type: single nucleotide variant.
Coding change: c.1905T>G on transcript NM_000548.5 (MANE Select); coding-DNA position 1905, T replaced by G.
Protein change: p.Asp635Glu; replaces aspartic acid 635 with glutamic acid.
Molecular consequence: missense variant.
Genome position (GRCh38, 1-based): chr16:2,071,575, T>G. VCF-style: chr16-2071575-T-G. GRCh37 (hg19) VCF-style: chr16-2121576-T-G.
Other names: c.1905T>G, p.Asp635Glu (NM_001077183.3, NM_001114382.3, NM_001363528.2 and 3 more transcripts); c.1794T>G, p.Asp598Glu (NM_001318827.2); c.1758T>G, p.Asp586Glu (NM_001318829.2); c.1305T>G, p.Asp435Glu (NM_001318831.2); c.1938T>G, p.Asp646Glu (NM_001318832.2); short protein forms D435E, D635E, D586E, D598E, D646E.
Identifiers: ClinVar variation 640367 (VCV000640367.17), dbSNP rs1596342515, ClinGen allele CA394273174.

ClinVar aggregate classification (germline): Conflicting classifications of pathogenicity. Review status: criteria provided, conflicting classifications (1 of 4 stars). 7 submissions from 7 submitters: Uncertain significance (6); Benign (1). Last evaluated 2025-12-01.

Conditions:
Isolated focal cortical dysplasia type II (FCORD2). Also called: CORTICAL DYSPLASIA OF TAYLOR; Focal cortical dysplasia type II. Identifiers: Orphanet 268994, MedGen C1846385, MONDO:0011818, OMIM 607341, HP:0032051.
Tuberous sclerosis 2 (TSC2). Identifiers: Orphanet 805, MedGen C1860707, MONDO:0013199, OMIM 613254.
Lymphangiomyomatosis (LAM). Also called: Lymphangioleiomyomatosis, somatic; Lymphangioleiomyomatosis. Identifiers: Orphanet 538, MedGen C0751674, MONDO:0011705, OMIM 606690.
Hereditary cancer-predisposing syndrome. Also called: Neoplastic Syndromes, Hereditary; Hereditary Cancer Syndrome; Hereditary neoplastic syndrome; Tumor predisposition. Identifiers: Orphanet 140162, MedGen C0027672, MeSH D009386, MONDO:0015356.
Tuberous sclerosis syndrome (TSC). Also called: Tuberous sclerosis; Tuberous Sclerosis Complex. Identifiers: Orphanet 805, MedGen C0041341, MONDO:0001734.

gnomAD v4.1: 1 of 1,613,494 alleles (0.000062%); highest among the groups gnomAD compares: Non-Finnish European, 0.000085%; no homozygotes.

Submissions (7):

Labcorp Genetics (formerly Invitae), Labcorp
Classification: Benign for Tuberous sclerosis 2. Last evaluated: 2025-12-01. Review status: criteria provided, single submitter. Criteria: Invitae Variant Classification Sherloc (09022015). Collection method: clinical testing. Allele origin: germline.

All of Us Research Program, National Institutes of Health
Classification: Uncertain significance for Tuberous sclerosis syndrome. Last evaluated: 2024-08-06. Review status: criteria provided, single submitter. Criteria: ACMG Guidelines, 2015. Collection method: clinical testing. Allele origin: germline. Inheritance: Autosomal dominant inheritance. Observed: 1 variant allele, 1 heterozygote.
Comment: This study involves interpretation of variants in research participants for the purpose of population health screening. Participant phenotype was not available at the time of variant classification. Additional details can be found in publication PMID: 35346344, PMCID: PMC8962531

Greenwood Genetic Center Diagnostic Laboratories, Greenwood Genetic Center
Classification: Uncertain significance. Last evaluated: 2024-07-30. Review status: criteria provided, single submitter. Criteria: ACMG Guidelines, 2015. Collection method: clinical testing. Allele origin: germline. Affected: yes.
Comment: PM2

Ambry Genetics
Classification: Uncertain significance for Hereditary cancer-predisposing syndrome. Last evaluated: 2024-04-10. Review status: criteria provided, single submitter. Criteria: Ambry Variant Classification Scheme 2023. Collection method: clinical testing. Allele origin: germline.
Comment: The p.D635E variant (also known as c.1905T>G), located in coding exon 17 of the TSC2 gene, results from a T to G substitution at nucleotide position 1905. The aspartic acid at codon 635 is replaced by glutamic acid, an amino acid with highly similar properties. This amino acid position is well conserved in available vertebrate species. In addition, the in silico prediction for this alteration is inconclusive. Since supporting evidence is limited at this time, the clinical significance of this alteration remains unclear.

GeneDx
Classification: Uncertain significance. Last evaluated: 2023-12-28. Review status: criteria provided, single submitter. Criteria: GeneDx Variant Classification Process June 2021. Collection method: clinical testing. Allele origin: germline. Affected: yes.
Comment: Not observed at significant frequency in large population cohorts (gnomAD); In silico analysis supports that this missense variant does not alter protein structure/function; Has not been previously published as pathogenic or benign to our knowledge

Baylor Genetics
Classification: Uncertain significance for Isolated focal cortical dysplasia type II. Last evaluated: 2023-09-30. Review status: criteria provided, single submitter. Criteria: ACMG Guidelines, 2015. Collection method: clinical testing. Allele origin: unknown.

Fulgent Genetics
Classification: Uncertain significance for Lymphangiomyomatosis; Isolated focal cortical dysplasia type II; Tuberous sclerosis 2. Last evaluated: 2022-04-20. Review status: criteria provided, single submitter. Criteria: ACMG Guidelines, 2015. Collection method: clinical testing. Allele origin: unknown.